The following is an entry in ClinVar:

ClinVar aggregate classification (germline): Uncertain significance (1 of 4 stars; one submission).

Conditions:
Autosomal recessive nonsyndromic hearing loss 2. Also called: DEAFNESS, AUTOSOMAL RECESSIVE 2; NEUROSENSORY NONSYNDROMIC RECESSIVE DEAFNESS 2. Identifiers: Orphanet 90636, MedGen C1838701, MONDO:0010807, OMIM 600060.
Autosomal dominant nonsyndromic hearing loss 11. Identifiers: Orphanet 90635, MedGen C1832475, MONDO:0011032, OMIM 601317.
Usher syndrome type 1 (USH1). Also called: RETINITIS PIGMENTOSA AND CONGENITAL DEAFNESS. Identifiers: Orphanet 231169, Orphanet 886, MedGen C1568247, MONDO:0010168, OMIM 276900.

Submission:

Juno Genomics, Hangzhou Juno Genomics, Inc
Classification: Uncertain significance for Usher syndrome type 1; Autosomal dominant nonsyndromic hearing loss 11; Autosomal recessive nonsyndromic hearing loss 2. Review status: criteria provided, single submitter. Criteria: ACMG Guidelines, 2015. Collection method: clinical testing. Allele origin: germline.
Comment: Absent from controls (or at extremely low frequency if recessive) in Genome Aggregation Database.

NM_000260.4(MYO7A):c.6533G>C (p.Ser2178Thr)

Gene: MYO7A (myosin VIIA; plus strand). Cytogenetic location: 11q13.5.
Variant type: single nucleotide variant.
Coding change: c.6533G>C on transcript NM_000260.4 (MANE Select); coding-DNA position 6533, G replaced by C.
Protein change: p.Ser2178Thr; replaces serine 2178 with threonine.
Molecular consequence: missense variant.
Genome position (GRCh38, 1-based): chr11:77,213,954, G>C. VCF-style: chr11-77213954-G-C. GRCh37 (hg19) VCF-style: chr11-76924999-G-C.
Other names: c.6413G>C, p.Ser2138Thr (NM_001127180.2); c.6386G>C, p.Ser2129Thr (NM_001369365.1); short protein forms S2138T, S2178T, S2129T.
Identifiers: ClinVar variation 5004995 (VCV005004995.2).